The following is an entry in ClinVar:

ClinVar aggregate classification (germline): Conflicting classifications of pathogenicity. Review status: criteria provided, conflicting classifications (1 of 4 stars). 3 submissions from 3 submitters: Uncertain significance (2); Likely benign (1). Last evaluated 2025-10-15.

Conditions:
Melnick-Needles syndrome (MNS). Also called: MELNICK-NEEDLES OSTEODYSPLASTY; Melnick-Needles Syndrome (FLNA-MNS); OSTEODYSPLASTY OF MELNICK AND NEEDLES. Identifiers: Orphanet 2484, MedGen C0025237, MONDO:0010650, OMIM 309350.
Frontometaphyseal dysplasia (FMD1). Identifiers: Orphanet 1826, MedGen C0265293, MONDO:0015942.
Heterotopia, periventricular, X-linked dominant (PVNH1). Also called: X-linked periventricular heterotopia; PERIVENTRICULAR NODULAR HETEROTOPIA 4; HETEROTOPIA, PERIVENTRICULAR, 1; PERIVENTRICULAR NODULAR HETEROTOPIA 1. Identifiers: Orphanet 2149, Orphanet 82004, MedGen C1848213, MONDO:0010233, OMIM 300049.
Oto-palato-digital syndrome, type II (OPD2). Also called: FACIOPALATOOSSEOUS SYNDROME; Otopalatodigital Syndrome, Type II; Otopalatodigital Syndrome Type 2 (FLNA-OPD2); OPD II SYNDROME. Identifiers: Orphanet 669, Orphanet 90652, MedGen C1844696, MONDO:0010571, OMIM 304120.
Familial thoracic aortic aneurysm and aortic dissection (TAAD). Also called: Thoracic aortic aneurysms and dissections. Identifiers: Orphanet 91387, MedGen C4707243, MONDO:0019625.

Allele frequency attached by ClinVar (database versions not stated): ExAC 0.00001; gnomAD 0.00001; gnomAD exomes 0.00002 and 0.00006.
gnomAD v4.1: 69 of 1,210,222 alleles (0.0057%); highest among the groups gnomAD compares: Non-Finnish European, 0.0073%; no homozygotes.

Submissions (5):

Labcorp Genetics (formerly Invitae), Labcorp
Classification: Likely benign for Oto-palato-digital syndrome, type II; Heterotopia, periventricular, X-linked dominant; Frontometaphyseal dysplasia; Melnick-Needles syndrome. Last evaluated: 2025-10-15. Review status: criteria provided, single submitter. Criteria: Invitae Variant Classification Sherloc (09022015). Collection method: clinical testing. Allele origin: germline.

Blueprint Genetics
Classification: Uncertain significance. Last evaluated: 2023-09-26. Review status: criteria provided, single submitter. Criteria: ACMG Guidelines, 2015. Collection method: clinical testing. Allele origin: germline.

Ambry Genetics
Classification: Uncertain significance for Familial thoracic aortic aneurysm and aortic dissection. Last evaluated: 2020-04-03. Review status: criteria provided, single submitter. Criteria: Ambry Variant Classification Scheme 2023. Collection method: clinical testing. Allele origin: germline.
Comment: The p.R1951C variant (also known as c.5851C>T), located in coding exon 35 of the FLNA gene, results from a C to T substitution at nucleotide position 5851. The arginine at codon 1951 is replaced by cysteine, an amino acid with highly dissimilar properties. This amino acid position is highly conserved in available vertebrate species. In addition, this alteration is predicted to be deleterious by in silico analysis. Since supporting evidence is limited at this time, the clinical significance of this alteration remains unclear.

Dr. Peter K. Rogan Lab, Western University
No classification provided (evidence only). Condition: Thyroid cancer, nonmedullary, 1. Review status: no classification provided. Collection method: in vitro. Allele origin: not applicable. Functional consequence: retained intron. Not counted in ClinVar's aggregate classification.

Dr. Peter K. Rogan Lab, Western University
No classification provided (evidence only). Condition: Nonpapillary renal cell carcinoma. Review status: no classification provided. Collection method: in vitro. Allele origin: not applicable. Functional consequence: skipped exon, retained intron. Not counted in ClinVar's aggregate classification.

NM_001110556.2(FLNA):c.5875C>T (p.Arg1959Cys)

Gene: FLNA (filamin A; minus strand). Cytogenetic location: Xq28.
Variant type: single nucleotide variant.
Coding change: c.5875C>T on transcript NM_001110556.2 (MANE Select); coding-DNA position 5875, C replaced by T.
Protein change: p.Arg1959Cys; replaces arginine 1959 with cysteine.
Molecular consequence: missense variant.
Genome position (GRCh38, 1-based): chrX:154,353,443, G>A on the plus strand (C>T on the coding strand, the complement: FLNA is on the minus strand). VCF-style: chrX-154353443-G-A. GRCh37 (hg19) VCF-style: chrX-153581811-G-A.
Other names: c.5851C>T, p.Arg1951Cys (NM_001456.4); short protein forms R1959C, R1951C.
Identifiers: ClinVar variation 650291 (VCV000650291.8), dbSNP rs10458342, ClinGen allele CA10560207.